The following is an entry in ClinVar:

ClinVar aggregate classification (germline): Likely benign (1 of 4 stars; one submission).

Allele frequency attached by ClinVar (database versions not stated): 1000 Genomes Project 30x 0.00547; 1000 Genomes Project 0.00599; TOPMed 0.00968; gnomAD 0.01122 and 0.01192.
gnomAD v4.1: 1,750 of 151,892 alleles (1.2%); highest among the groups gnomAD compares: Non-Finnish European, 1.7%; 17 homozygotes.

Submission:

GeneDx
Classification: Likely benign. Last evaluated: 2018-06-14. Review status: criteria provided, single submitter. Criteria: GeneDx Variant Classification (06012015). Collection method: clinical testing. Allele origin: germline. Affected: yes.
Comment: This variant is considered likely benign or benign based on one or more of the following criteria: it is a conservative change, it occurs at a poorly conserved position in the protein, it is predicted to be benign by multiple in silico algorithms, and/or has population frequency not consistent with disease.

NM_001378454.1(ALMS1):c.10214-214G>A

Gene: ALMS1 (ALMS1 centrosome and basal body associated protein; plus strand). Cytogenetic location: 2p13.1.
Variant type: single nucleotide variant.
Coding change: c.10214-214G>A on transcript NM_001378454.1 (MANE Select); 214 bases into the intron before coding-DNA position 10214, G replaced by A.
Molecular consequence: intron variant.
Genome position (GRCh38, 1-based): chr2:73,558,758, G>A. VCF-style: chr2-73558758-G-A. GRCh37 (hg19) VCF-style: chr2-73785885-G-A.
Other names: c.10214-214G>A (NM_015120.4); c.10217-214G>A (NM_015120.4).
Identifiers: ClinVar variation 677991 (VCV000677991.1), dbSNP rs147356858, ClinGen allele CA11312229.